The following is an entry in ClinVar:

ClinVar aggregate classification (germline): Uncertain significance (1 of 4 stars; one submission).

Conditions:
CHARGE syndrome (CHARGE). Also called: Hittner Hirsch Kreh syndrome; CHARGE ASSOCIATION--COLOBOMA, HEART ANOMALY, CHOANAL ATRESIA, RETARDATION, GENITAL AND EAR ANOMALIES; Coloboma, heart anomaly, choanal atresia, retardation, genital and ear anomalies; CHARGE association; Hall-Hittner syndrome. Identifiers: Orphanet 138, MedGen C0265354, MONDO:0008965.

Submission:

Labcorp Genetics (formerly Invitae), Labcorp
Classification: Uncertain significance for CHARGE syndrome. Last evaluated: 2022-07-06. Review status: criteria provided, single submitter. Criteria: Invitae Variant Classification Sherloc (09022015). Collection method: clinical testing. Allele origin: germline.
Comment: This sequence change replaces phenylalanine, which is neutral and non-polar, with leucine, which is neutral and non-polar, at codon 2478 of the CHD7 protein (p.Phe2478Leu). This variant is not present in population databases (gnomAD no frequency). This variant has not been reported in the literature in individuals affected with CHD7-related conditions. ClinVar contains an entry for this variant (Variation ID: 1392392). Advanced modeling of protein sequence and biophysical properties (such as structural, functional, and spatial information, amino acid conservation, physicochemical variation, residue mobility, and thermodynamic stability) performed at Invitae indicates that this missense variant is not expected to disrupt CHD7 protein function. In summary, the available evidence is currently insufficient to determine the role of this variant in disease. Therefore, it has been classified as a Variant of Uncertain Significance.

NM_017780.4(CHD7):c.7434T>G (p.Phe2478Leu)

Gene: CHD7 (chromodomain helicase DNA binding protein 7; plus strand). Cytogenetic location: 8q12.2.
Variant type: single nucleotide variant.
Coding change: c.7434T>G on transcript NM_017780.4 (MANE Select); coding-DNA position 7434, T replaced by G.
Protein change: p.Phe2478Leu; replaces phenylalanine 2478 with leucine.
Molecular consequence: missense variant. On other transcripts: intron variant (1).
Genome position (GRCh38, 1-based): chr8:60,856,714, T>G. VCF-style: chr8-60856714-T-G. GRCh37 (hg19) VCF-style: chr8-61769273-T-G.
Other names: c.1717-5515T>G (NM_001316690.1); short protein forms F2478L.
Identifiers: ClinVar variation 1392392 (VCV001392392.8), dbSNP rs2129651052, ClinGen allele CA371301707.